The following is an entry in ClinVar:

NM_001005242.3(PKP2):c.2336T>C (p.Met779Thr)

Gene: PKP2 (plakophilin 2; minus strand). Cytogenetic location: 12p11.21.
Variant type: single nucleotide variant.
Coding change: c.2336T>C on transcript NM_001005242.3 (MANE Select); coding-DNA position 2336, T replaced by C.
Protein change: p.Met779Thr; replaces methionine 779 with threonine.
Molecular consequence: missense variant. On other transcripts: intron variant (2).
Genome position (GRCh38, 1-based): chr12:32,796,130, A>G on the plus strand (T>C on the coding strand, the complement: PKP2 is on the minus strand). VCF-style: chr12-32796130-A-G. GRCh37 (hg19) VCF-style: chr12-32949064-A-G.
Other names: c.2171T>C, p.Met724Thr (NM_001407156.1); c.2009T>C, p.Met670Thr (NM_001407158.1, NM_001407159.1); c.2468T>C, p.Met823Thr (NM_004572.4); c.2168-3399T>C (NM_001407155.1); c.1841-3399T>C (NM_001407160.1); short protein forms M724T, M670T, M779T, M823T.
Identifiers: ClinVar variation 3307096 (VCV003307096.2).

ClinVar aggregate classification (germline): Uncertain significance. Review status: criteria provided, multiple submitters, no conflicts (2 of 4 stars). 2 submissions from 2 submitters: Uncertain significance (2). Last evaluated 2025-07-14.

Conditions:
Cardiomyopathy (CMYO). Also called: Cardiomyopathies. Identifiers: Orphanet 167848, MedGen C0878544, MONDO:0004994, HP:0001638. Inheritance: Various modes of inheritance.
Cardiovascular phenotype. Identifiers: MedGen CN230736.

gnomAD v4.1: 2 of 1,614,156 alleles (0.00012%); highest among the groups gnomAD compares: East Asian, 0.0022%; no homozygotes.

Submissions (2):

Color Diagnostics, LLC DBA Color Health
Classification: Uncertain significance for Cardiomyopathy. Last evaluated: 2025-07-14. Review status: criteria provided, single submitter. Criteria: ACMG Guidelines, 2015. Collection method: clinical testing. Allele origin: germline.
Comment: This missense variant replaces methionine with threonine at codon 823 of the PKP2 protein. Computational prediction suggests that this variant may not impact protein structure and function. To our knowledge, functional studies have not been reported for this variant. This variant has not been reported in individuals affected with PKP2-related disorders in the literature. This variant has not been identified in the general population by the Genome Aggregation Database (gnomAD). The available evidence is insufficient to determine the role of this variant in disease conclusively. Therefore, this variant is classified as a Variant of Uncertain Significance.

Ambry Genetics
Classification: Uncertain significance for Cardiovascular phenotype. Last evaluated: 2024-03-27. Review status: criteria provided, single submitter. Criteria: Ambry Variant Classification Scheme 2023. Collection method: clinical testing. Allele origin: germline.
Comment: The p.M823T variant (also known as c.2468T>C), located in coding exon 12 of the PKP2 gene, results from a T to C substitution at nucleotide position 2468. The methionine at codon 823 is replaced by threonine, an amino acid with similar properties. This amino acid position is conserved. In addition, this alteration is predicted to be tolerated by in silico analysis. Based on the available evidence, the clinical significance of this alteration remains unclear.